The following is an entry in ClinVar:

ClinVar aggregate classification (germline): Benign. Review status: criteria provided, single submitter (1 of 4 stars). 2 submissions from 2 submitters: Benign (1). 1 of the submissions does not count toward it. Last evaluated 2018-05-08.

Conditions:
FAT3-related disorder. Also called: FAT3-related condition.

Allele frequency attached by ClinVar (database versions not stated): gnomAD 0.00023 and 0.00024; gnomAD exomes 0.00031 and 0.00156; TOPMed 0.00086; ExAC 0.00119.
gnomAD v4.1: 479 of 1,613,460 alleles (0.03%); highest among the groups gnomAD compares: Admixed American, 0.78%; 6 homozygotes.

Submissions (2):

Labcorp Genetics (formerly Invitae), Labcorp
Classification: Benign. Last evaluated: 2018-05-08. Review status: criteria provided, single submitter. Criteria: Invitae Variant Classification Sherloc (09022015). Collection method: clinical testing. Allele origin: germline.

PreventionGenetics, part of Exact Sciences
Classification: Likely benign for FAT3-related condition. Last evaluated: 2022-03-21. Review status: no assertion criteria provided. Collection method: clinical testing. Allele origin: germline. Not counted in ClinVar's aggregate classification.
Comment: This variant is classified as likely benign based on ACMG/AMP sequence variant interpretation guidelines (Richards et al. 2015 PMID: 25741868, with internal and published modifications).

NM_001367949.2(FAT3):c.4598T>C (p.Ile1533Thr)

Gene: FAT3 (FAT atypical cadherin 3; plus strand). Cytogenetic location: 11q14.3.
Variant type: single nucleotide variant.
Coding change: c.4598T>C on transcript NM_001367949.2 (MANE Select); coding-DNA position 4598, T replaced by C.
Protein change: p.Ile1533Thr; replaces isoleucine 1533 with threonine.
Molecular consequence: missense variant.
Genome position (GRCh38, 1-based): chr11:92,790,205, T>C. VCF-style: chr11-92790205-T-C. GRCh37 (hg19) VCF-style: chr11-92523371-T-C.
Other names: c.4598T>C, p.Ile1533Thr (NM_001008781.3); short protein forms I1533T.
Identifiers: ClinVar variation 712972 (VCV000712972.5), dbSNP rs202189411, ClinGen allele CA6226960.
Genomic context (GRCh38, chr11:92,790,205, plus strand): 5'-CTAGCACTGGCGTGCTCTATACTGCCGAGAGGCTGGACCATGAGGCCCAGGACAAGCACA[T>C]TCTCAACATAATGGTAGGACCAAAATCCTAATTAGCACTCCTACAGAACCACTGACTGTT-3'
Protein context (NP_001354878.1, residues 1523-1543): RLDHEAQDKH[Ile1533Thr]LNIMVRDQEF